The following is an entry in ClinVar:

ClinVar aggregate classification (germline): Uncertain significance. Review status: criteria provided, multiple submitters, no conflicts (2 of 4 stars). 2 submissions from 2 submitters: Uncertain significance (2). Last evaluated 2023-09-10.

Conditions:
Hereditary cancer-predisposing syndrome. Also called: Neoplastic Syndromes, Hereditary; Tumor predisposition; Hereditary Cancer Syndrome; Hereditary neoplastic syndrome. Identifiers: Orphanet 140162, MedGen C0027672, MeSH D009386, MONDO:0015356.

Allele frequency attached by ClinVar (database versions not stated): ExAC 0.00001; gnomAD 0.00001; gnomAD exomes 0.00001; TOPMed 0.00001.

Submissions (2):

Labcorp Genetics (formerly Invitae), Labcorp
Classification: Uncertain significance for Hereditary cancer-predisposing syndrome. Last evaluated: 2023-09-10. Review status: criteria provided, single submitter. Criteria: Invitae Variant Classification Sherloc (09022015). Collection method: clinical testing. Allele origin: germline.
Comment: In summary, the available evidence is currently insufficient to determine the role of this variant in disease. Therefore, it has been classified as a Variant of Uncertain Significance. Advanced modeling of protein sequence and biophysical properties (such as structural, functional, and spatial information, amino acid conservation, physicochemical variation, residue mobility, and thermodynamic stability) performed at Invitae indicates that this missense variant is not expected to disrupt RAD50 protein function. ClinVar contains an entry for this variant (Variation ID: 1757764). This variant has not been reported in the literature in individuals affected with RAD50-related conditions. This variant is present in population databases (rs762043553, gnomAD 0.0009%). This sequence change replaces valine, which is neutral and non-polar, with isoleucine, which is neutral and non-polar, at codon 241 of the RAD50 protein (p.Val241Ile).

Ambry Genetics
Classification: Uncertain significance for Hereditary cancer-predisposing syndrome. Last evaluated: 2023-07-05. Review status: criteria provided, single submitter. Criteria: Ambry Variant Classification Scheme 2023. Collection method: clinical testing. Allele origin: germline.

NM_005732.4(RAD50):c.721G>A (p.Val241Ile)

Gene: RAD50 (RAD50 double strand break repair protein; plus strand). Cytogenetic location: 5q31.1.
Variant type: single nucleotide variant.
Coding change: c.721G>A on transcript NM_005732.4 (MANE Select); coding-DNA position 721, G replaced by A.
Protein change: p.Val241Ile; replaces valine 241 with isoleucine.
Molecular consequence: missense variant.
Genome position (GRCh38, 1-based): chr5:132,580,031, G>A. VCF-style: chr5-132580031-G-A. GRCh37 (hg19) VCF-style: chr5-131915723-G-A.
Other names: short protein forms V241I.
Identifiers: ClinVar variation 1757764 (VCV001757764.5), dbSNP rs762043553, ClinGen allele CA3405017.